The following is an entry in ClinVar:

ClinVar aggregate classification (germline): Uncertain significance. Review status: criteria provided, multiple submitters, no conflicts (2 of 4 stars). 4 submissions from 4 submitters: Uncertain significance (4). Last evaluated 2026-07-14.

Conditions:
Familial thoracic aortic aneurysm and aortic dissection (TAAD). Also called: Thoracic aortic aneurysms and dissections. Identifiers: Orphanet 91387, MedGen C4707243, MONDO:0019625.
Shprintzen-Goldberg syndrome (SGS). Also called: Marfanoid disorder with craniosynostosis type 1; Marfanoid craniosynostosis syndrome; Shprintzen-Goldberg marfanoid syndrome; SHPRINTZEN-GOLDBERG CRANIOSYNOSTOSIS SYNDROME; CRANIOSYNOSTOSIS WITH ARACHNODACTYLY AND ABDOMINAL HERNIAS. Identifiers: Orphanet 2462, MedGen C1321551, MONDO:0008426, OMIM 182212.

Allele frequency attached by ClinVar (database versions not stated): gnomAD 0.00002; TOPMed 0.00002; ESP Exome Variant Server 0.00008; ExAC 0.00011.
gnomAD v4.1: 38 of 1,580,964 alleles (0.0024%); highest among the groups gnomAD compares: Non-Finnish European, 0.0031%; no homozygotes.

Submissions (4):

GeneDx
Classification: Uncertain significance. Last evaluated: 2026-07-14. Review status: criteria provided, single submitter. Criteria: GeneDx Variant Classification Process June 2021. Collection method: clinical testing. Allele origin: germline.
Comment: Has not been previously published as pathogenic or benign to our knowledge; In silico analysis supports that this missense variant has a deleterious effect on protein structure/function

Labcorp Genetics (formerly Invitae), Labcorp
Classification: Uncertain significance for Shprintzen-Goldberg syndrome. Last evaluated: 2025-10-07. Review status: criteria provided, single submitter. Criteria: Invitae Variant Classification Sherloc (09022015). Collection method: clinical testing. Allele origin: germline.
Comment: This sequence change replaces arginine, which is basic and polar, with cysteine, which is neutral and slightly polar, at codon 570 of the SKI protein (p.Arg570Cys). The frequency data for this variant in the population databases is considered unreliable, as metrics indicate poor data quality at this position in the gnomAD database. This variant has not been reported in the literature in individuals affected with SKI-related conditions. ClinVar contains an entry for this variant (Variation ID: 1064280). Invitae Evidence Modeling of protein sequence and biophysical properties (such as structural, functional, and spatial information, amino acid conservation, physicochemical variation, residue mobility, and thermodynamic stability) has been performed for this missense variant. However, the output from this modeling did not meet the statistical confidence thresholds required to predict the impact of this variant on SKI protein function. In summary, the available evidence is currently insufficient to determine the role of this variant in disease. Therefore, it has been classified as a Variant of Uncertain Significance.

Ambry Genetics
Classification: Uncertain significance for Familial thoracic aortic aneurysm and aortic dissection. Last evaluated: 2024-02-21. Review status: criteria provided, single submitter. Criteria: Ambry Variant Classification Scheme 2023. Collection method: clinical testing. Allele origin: germline.

Blueprint Genetics
Classification: Uncertain significance. Last evaluated: 2022-11-28. Review status: criteria provided, single submitter. Criteria: ACMG Guidelines, 2015. Collection method: clinical testing. Allele origin: germline.

NM_003036.4(SKI):c.1708C>T (p.Arg570Cys)

Gene: SKI (SKI proto-oncogene; plus strand). Cytogenetic location: 1p36.32.
Variant type: single nucleotide variant.
Coding change: c.1708C>T on transcript NM_003036.4 (MANE Select); coding-DNA position 1708, C replaced by T.
Protein change: p.Arg570Cys; replaces arginine 570 with cysteine.
Molecular consequence: missense variant.
Genome position (GRCh38, 1-based): chr1:2,304,526, C>T. VCF-style: chr1-2304526-C-T. GRCh37 (hg19) VCF-style: chr1-2235965-C-T.
Other names: short protein forms R570C.
Identifiers: ClinVar variation 1064280 (VCV001064280.14), dbSNP rs377517039, ClinGen allele CA536768.